The following is an entry in ClinVar:

ClinVar aggregate classification (germline): Uncertain significance (1 of 4 stars; one submission).

Conditions:
TTN-related disorder. Also called: TTN-related condition; TTN-related disease; TTN-related disorders.

Submission:

PreventionGenetics, part of Exact Sciences
Classification: Uncertain significance for TTN-related condition. Last evaluated: 2026-03-18. Review status: criteria provided, single submitter. Criteria: ACMG Guidelines, 2015. Collection method: clinical testing. Allele origin: germline.
Comment: The TTN c.43632G>A variant is predicted to result in the amino acid substitution p.Met14544Ile. To our knowledge, this variant has not been reported in the literature. This variant is reported in 0.014% of alleles in individuals of African descent in gnomAD. At this time, the clinical significance of this variant is uncertain due to the absence of conclusive functional and genetic evidence.

NM_001267550.2(TTN):c.43632G>A (p.Met14544Ile)

Gene: TTN (titin; minus strand). Cytogenetic location: 2q31.2.
Variant type: single nucleotide variant.
Coding change: c.43632G>A on transcript NM_001267550.2 (MANE Select); coding-DNA position 43632, G replaced by A.
Protein change: p.Met14544Ile; replaces methionine 14544 with isoleucine.
Molecular consequence: missense variant.
Genome position (GRCh38, 1-based): chr2:178,632,262, C>T on the plus strand (G>A on the coding strand, the complement: TTN is on the minus strand). VCF-style: chr2-178632262-C-T. GRCh37 (hg19) VCF-style: chr2-179496989-C-T.
Other names: c.38709G>A, p.Met12903Ile (NM_001256850.1); c.16437G>A, p.Met5479Ile (NM_003319.4); c.35928G>A, p.Met11976Ile (NM_133378.4); c.16812G>A, p.Met5604Ile (NM_133432.3); c.17013G>A, p.Met5671Ile (NM_133437.4); short protein forms M12903I, M5479I, M11976I, M14544I, M5604I, M5671I.
Identifiers: ClinVar variation 4977048 (VCV004977048.1).